The following is an entry in ClinVar:

ClinVar aggregate classification (germline): Uncertain significance. Review status: criteria provided, multiple submitters, no conflicts (2 of 4 stars). 4 submissions from 4 submitters: Uncertain significance (3). 1 of the submissions does not count toward it. Last evaluated 2024-08-01.

Conditions:
MSH6-related disorder. Also called: MSH6-Related disorders; MSH6-related condition.
Hereditary cancer-predisposing syndrome. Also called: Hereditary neoplastic syndrome; Hereditary Cancer Syndrome; Neoplastic Syndromes, Hereditary; Tumor predisposition. Identifiers: Orphanet 140162, MedGen C0027672, MeSH D009386, MONDO:0015356.
Hereditary nonpolyposis colorectal neoplasms. Identifiers: MedGen C0009405, MeSH D003123.

Allele frequency attached by ClinVar (database versions not stated): gnomAD exomes 0.00001.
gnomAD v4.1: 13 of 1,582,426 alleles (0.00082%); highest among the groups gnomAD compares: Non-Finnish European, 0.0011%; no homozygotes.

Submissions (4):

Labcorp Genetics (formerly Invitae), Labcorp
Classification: Uncertain significance for Hereditary nonpolyposis colorectal neoplasms. Last evaluated: 2024-08-01. Review status: criteria provided, single submitter. Criteria: Invitae Variant Classification Sherloc (09022015). Collection method: clinical testing. Allele origin: germline.
Comment: This sequence change replaces glutamine, which is neutral and polar, with glutamic acid, which is acidic and polar, at codon 978 of the MSH6 protein (p.Gln978Glu). This variant is not present in population databases (gnomAD no frequency). This variant has not been reported in the literature in individuals affected with MSH6-related conditions. ClinVar contains an entry for this variant (Variation ID: 237171). Advanced modeling of protein sequence and biophysical properties (such as structural, functional, and spatial information, amino acid conservation, physicochemical variation, residue mobility, and thermodynamic stability) performed at Invitae indicates that this missense variant is not expected to disrupt MSH6 protein function with a negative predictive value of 95%. In summary, the available evidence is currently insufficient to determine the role of this variant in disease. Therefore, it has been classified as a Variant of Uncertain Significance.

Ambry Genetics
Classification: Uncertain significance for Hereditary cancer-predisposing syndrome. Last evaluated: 2024-05-29. Review status: criteria provided, single submitter. Criteria: Ambry Variant Classification Scheme 2023. Collection method: clinical testing. Allele origin: germline.
Comment: The p.Q978E variant (also known as c.2932C>G), located in coding exon 4 of the MSH6 gene, results from a C to G substitution at nucleotide position 2932. The glutamine at codon 978 is replaced by glutamic acid, an amino acid with highly similar properties. This amino acid position is highly conserved in available vertebrate species. In addition, this alteration is predicted to be deleterious by in silico analysis. Since supporting evidence is limited at this time, the clinical significance of this alteration remains unclear.

Color Diagnostics, LLC DBA Color Health
Classification: Uncertain significance for Hereditary cancer-predisposing syndrome. Last evaluated: 2024-03-07. Review status: criteria provided, single submitter. Criteria: ACMG Guidelines, 2015. Collection method: clinical testing. Allele origin: germline.
Comment: This missense variant replaces glutamine with glutamic acid at codon 978 of the MSH6 protein. Computational prediction suggests that this variant may have deleterious impact on protein structure and function (internally defined REVEL score threshold >= 0.7, PMID: 27666373). Splice site prediction tools suggest that this variant may not impact RNA splicing. To our knowledge, functional studies have not been performed for this variant. This variant has not been reported in individuals affected with hereditary cancer in the literature. This variant has not been identified in the general population by the Genome Aggregation Database (gnomAD). The available evidence is insufficient to determine the role of this variant in disease conclusively. Therefore, this variant is classified as a Variant of Uncertain Significance.

PreventionGenetics, part of Exact Sciences
Classification: Uncertain significance for MSH6-related condition. Last evaluated: 2023-12-29. Review status: no assertion criteria provided. Collection method: clinical testing. Allele origin: germline. Not counted in ClinVar's aggregate classification.
Comment: The MSH6 c.2932C>G variant is predicted to result in the amino acid substitution p.Gln978Glu. To our knowledge, this variant has not been reported in the literature or in a large population database and is reported as uncertain in ClinVar. At this time, the clinical significance of this variant is uncertain due to the absence of conclusive functional and genetic evidence.

NM_000179.3(MSH6):c.2932C>G (p.Gln978Glu)

Gene: MSH6 (mutS homolog 6; plus strand). Cytogenetic location: 2p16.3.
Variant type: single nucleotide variant.
Coding change: c.2932C>G on transcript NM_000179.3 (MANE Select); coding-DNA position 2932, C replaced by G.
Protein change: p.Gln978Glu; replaces glutamine 978 with glutamic acid.
Molecular consequence: missense variant.
Genome position (GRCh38, 1-based): chr2:47,800,915, C>G. VCF-style: chr2-47800915-C-G. GRCh37 (hg19) VCF-style: chr2-48028054-C-G.
Other names: c.2542C>G, p.Gln848Glu (NM_001281492.2); c.2026C>G, p.Gln676Glu (NM_001281493.2, NM_001281494.2); short protein forms Q978E, Q676E, Q848E.
Identifiers: ClinVar variation 237171 (VCV000237171.22), dbSNP rs587781372, ClinGen allele CA10582073.